The following is an entry in ClinVar:

ClinVar aggregate classification (germline): Likely pathogenic (1 of 4 stars; one submission).

Conditions:
Nemaline myopathy 2 (NEM2). Also called: Nemaline myopathy 2, autosomal recessive. Identifiers: MedGen C1850569, MONDO:0009725, OMIM 256030.

Submission:

Natera, Inc.
Classification: Likely pathogenic for Nemaline myopathy type 2. Last evaluated: 2024-09-09. Review status: criteria provided, single submitter. Criteria: Natera Variant Classification Schema (03/2026). Collection method: clinical testing. Allele origin: germline.
Comment: The c.8428_8432del variant in NEB is a frameshift variant predicted to shift the reading frame beginning at codon 2810 and leads to a stop codon 2 codons downstream. This variant is expected to result in nonsense mediated decay, truncation, or a dysfunctional protein product. This variant is rare in the general population with a frequency below the threshold expected for the associated phenotype(s). Given the available evidence, this variant is classified as Likely Pathogenic.

NM_001164508.2(NEB):c.8428_8432del (p.Ala2810fs)

Gene: NEB (nebulin; minus strand). Cytogenetic location: 2q23.3.
Variant type: Deletion.
Coding change: c.8428_8432del on transcript NM_001164508.2 (MANE Select); coding-DNA positions 8428 to 8432, 5 bases deleted (GCTAT; older notation c.8428_8432delGCTAT).
Protein change: p.Ala2810fs; shifts the reading frame from alanine 2810.
Molecular consequence: frameshift variant.
Genome position (GRCh38, 1-based): chr2:151,640,608-151,640,612, ATAGC deleted on the plus strand (GCTAT on the coding strand, the reverse complement: NEB is on the minus strand). VCF-style (leftmost placement, unchanged base first): chr2-151640607-TATAGC-T. GRCh37 (hg19) VCF-style: chr2-152497121-TATAGC-T.
Other names: c.8428_8432del, p.Ala2810fs (NM_001164507.2, NM_001271208.2, NM_004543.5); c.8428_8432delGCTAT, p.Ala2810Thrfs (NM_001271208.1); short protein forms A2810fs.
Identifiers: ClinVar variation 4814791 (VCV004814791.1).